The following is an entry in ClinVar:

NM_001042492.3(NF1):c.4594G>A (p.Gly1532Arg)

Gene: NF1 (neurofibromin 1; plus strand). Cytogenetic location: 17q11.2.
Variant type: single nucleotide variant.
Coding change: c.4594G>A on transcript NM_001042492.3 (MANE Select); coding-DNA position 4594, G replaced by A.
Protein change: p.Gly1532Arg; replaces glycine 1532 with arginine.
Molecular consequence: missense variant.
Genome position (GRCh38, 1-based): chr17:31,261,727, G>A. VCF-style: chr17-31261727-G-A. GRCh37 (hg19) VCF-style: chr17-29588745-G-A.
Other names: c.4531G>A, p.Gly1511Arg (NM_000267.4); short protein forms G1511R, G1532R.
Identifiers: ClinVar variation 1462589 (VCV001462589.6), dbSNP rs2067689658, ClinGen allele CA399000148.
Genomic context (GRCh38, chr17:31,261,727, plus strand): 5'-ATGTGAACTGCTAATTTTTTTTCTAAGTAGTTTGCTGTATCTAGGGATCATAAAGCTGTT[G>A]GAAGACGACCTTTTGATAAGATGGCAACACTTCTTGCATACCTGGGTCCTCCAGAGCACA-3'
Protein context (NP_001035957.1, residues 1522-1542): LSSNRDHKAV[Gly1532Arg]RRPFDKMATL

ClinVar aggregate classification (germline): Uncertain significance (1 of 4 stars; one submission).

Conditions:
Neurofibromatosis, type 1 (NF1). Also called: NEUROFIBROMATOSIS, TYPE I, SOMATIC; VON RECKLINGHAUSEN DISEASE; Peripheral type neurofibromatosis; Neurofibromatosis, type I. Identifiers: Orphanet 636, MedGen C0027831, MONDO:0018975, OMIM 162200. Disease mechanism: loss of function.

Allele frequency attached by ClinVar (database versions not stated): gnomAD 0.00001.
gnomAD v4.1: 1 of 1,611,936 alleles (0.000062%); highest among the groups gnomAD compares: Non-Finnish European, 0.000085%; no homozygotes.

Submission:

Labcorp Genetics (formerly Invitae), Labcorp
Classification: Uncertain significance for Neurofibromatosis, type 1. Last evaluated: 2021-09-30. Review status: criteria provided, single submitter. Criteria: Invitae Variant Classification Sherloc (09022015). Collection method: clinical testing. Allele origin: germline.
Comment: This sequence change replaces glycine with arginine at codon 1511 of the NF1 protein (p.Gly1511Arg). The glycine residue is highly conserved and there is a moderate physicochemical difference between glycine and arginine. In summary, the available evidence is currently insufficient to determine the role of this variant in disease. Therefore, it has been classified as a Variant of Uncertain Significance. Advanced modeling of protein sequence and biophysical properties (such as structural, functional, and spatial information, amino acid conservation, physicochemical variation, residue mobility, and thermodynamic stability) performed at Invitae indicates that this missense variant is expected to disrupt NF1 protein function. This variant has not been reported in the literature in individuals affected with NF1-related conditions. This variant is not present in population databases (ExAC no frequency).